The following is an entry in ClinVar:

ClinVar aggregate classification (germline): Likely pathogenic. Review status: criteria provided, multiple submitters, no conflicts (2 of 4 stars). 3 submissions from 3 submitters: Likely pathogenic (3). Last evaluated 2025-08-29.

Conditions:
Adult hypophosphatasia. Identifiers: Orphanet 247676, Orphanet 436, MedGen C0268413, MONDO:1010154, OMIM 146300, MONDO:0007798.
Childhood hypophosphatasia. Identifiers: Orphanet 247667, Orphanet 436, MedGen C0220743, MONDO:1010168, OMIM 241510, MONDO:0009428.
Infantile hypophosphatasia. Identifiers: Orphanet 247651, Orphanet 436, MedGen C0268412, MONDO:1010169, OMIM 241500, MONDO:0009427.
Hypophosphatasia. Also called: Phosphoethanol-aminuria. Identifiers: Orphanet 436, MedGen C0020630, MeSH D007014, MONDO:0018570.

Submissions (3):

Genomenon, Inc
Classification: Likely pathogenic for Hypophosphatasia. Last evaluated: 2025-08-29. Review status: criteria provided, single submitter. Criteria: Genomenon Sequence Variant Interpretation Standards. Collection method: curation. Allele origin: germline. Affected: yes.
Comment: ALPL p.Tyr388Cys (c.1163A>G) is a missense variant that changes the amino acid at residue 388 from Tyrosine to Cysteine. This variant has been observed in at least one proband affected with hypophosphatasia (PMID:36361766). It is absent or not present at a significant frequency in gnomAD. In silico models agree that this variant is possibly or probably damaging. In conclusion, we classify ALPL p.Tyr388Cys (c.1163A>G) as a likely pathogenic variant.

Fulgent Genetics
Classification: Likely pathogenic for Adult hypophosphatasia; Infantile hypophosphatasia; Childhood hypophosphatasia. Last evaluated: 2024-02-07. Review status: criteria provided, single submitter. Criteria: ACMG Guidelines, 2015. Collection method: clinical testing. Allele origin: germline.

Labcorp Genetics (formerly Invitae), Labcorp
Classification: Likely pathogenic. Last evaluated: 2022-08-10. Review status: criteria provided, single submitter. Criteria: Invitae Variant Classification Sherloc (09022015). Collection method: clinical testing. Allele origin: germline.
Comment: This sequence change replaces tyrosine, which is neutral and polar, with cysteine, which is neutral and slightly polar, at codon 388 of the ALPL protein (p.Tyr388Cys). This variant is not present in population databases (gnomAD no frequency). This variant has not been reported in the literature in individuals affected with ALPL-related conditions. ClinVar contains an entry for this variant (Variation ID: 1480030). Advanced modeling of protein sequence and biophysical properties (such as structural, functional, and spatial information, amino acid conservation, physicochemical variation, residue mobility, and thermodynamic stability) performed at Invitae indicates that this missense variant is expected to disrupt ALPL protein function. This variant disrupts the p.Tyr388 amino acid residue in ALPL. Other variant(s) that disrupt this residue have been determined to be pathogenic (PMID: 20924064, 23509830, 24022022). This suggests that this residue is clinically significant, and that variants that disrupt this residue are likely to be disease-causing. In summary, the currently available evidence indicates that the variant is pathogenic, but additional data are needed to prove that conclusively. Therefore, this variant has been classified as Likely Pathogenic.

Literature cited by the submitters: PubMed 36361766 (cited by Genomenon, Inc); PubMed 20924064 (cited by Labcorp Genetics (formerly Invitae), Labcorp); PubMed 23509830 (cited by Labcorp Genetics (formerly Invitae), Labcorp); PubMed 24022022 (cited by Labcorp Genetics (formerly Invitae), Labcorp).

NM_000478.6(ALPL):c.1163A>G (p.Tyr388Cys)

Gene: ALPL (alkaline phosphatase, biomineralization associated; plus strand). Cytogenetic location: 1p36.12.
Variant type: single nucleotide variant.
Coding change: c.1163A>G on transcript NM_000478.6 (MANE Select); coding-DNA position 1163, A replaced by G.
Protein change: p.Tyr388Cys; replaces tyrosine 388 with cysteine.
Molecular consequence: missense variant.
Genome position (GRCh38, 1-based): chr1:21,575,898, A>G. VCF-style: chr1-21575898-A-G. GRCh37 (hg19) VCF-style: chr1-21902391-A-G.
Other names: c.998A>G, p.Tyr333Cys (NM_001127501.4); c.932A>G, p.Tyr311Cys (NM_001177520.3); c.1163A>G, p.Tyr388Cys (NM_001369803.2, NM_001369804.2, NM_001369805.2); short protein forms Y388C, Y333C, Y311C.
Identifiers: ClinVar variation 1480030 (VCV001480030.10), dbSNP rs1644722925, ClinGen allele CA338881455.